The following is an entry in ClinVar:

NM_000116.5(TAFAZZIN):c.138C>T (p.Asn46=)

Gene: TAFAZZIN (tafazzin, phospholipid-lysophospholipid transacylase; plus strand). Cytogenetic location: Xq28.
Variant type: single nucleotide variant.
Coding change: c.138C>T on transcript NM_000116.5 (MANE Select); coding-DNA position 138, C replaced by T.
Protein change: p.Asn46=; no amino-acid change (asparagine 46 retained).
Molecular consequence: synonymous variant. On other transcripts: non-coding transcript variant (1).
Genome position (GRCh38, 1-based): chrX:154,412,114, C>T. VCF-style: chrX-154412114-C-T. GRCh37 (hg19) VCF-style: chrX-153640451-C-T.
Other names: c.192C>T, p.Asn64= (NM_001303465.2, NM_001410698.1); c.138C>T, p.Asn46= (NM_181311.4, NM_181312.4, NM_181313.4).
Identifiers: ClinVar variation 2965734 (VCV002965734.5), dbSNP rs2522923901, ClinGen allele CA519277369.

ClinVar aggregate classification (germline): Likely benign. Review status: criteria provided, multiple submitters, no conflicts (2 of 4 stars). 2 submissions from 2 submitters: Likely benign (2). Last evaluated 2024-03-29.

Conditions:
3-Methylglutaconic aciduria type 2 (BTHS). Also called: CARDIOSKELETAL MYOPATHY WITH NEUTROPENIA AND ABNORMAL MITOCHONDRIA; Barth syndrome. Identifiers: Orphanet 111, MedGen C0574083, MONDO:0010543, OMIM 302060.

Allele frequency attached by ClinVar (database versions not stated): gnomAD exomes below 0.00001.
gnomAD v4.1: 1 of 1,209,600 alleles (0.000083%); highest among the groups gnomAD compares: Non-Finnish European, 0.00011%; no homozygotes.

Submissions (2):

Women's Health and Genetics/Laboratory Corporation of America, LabCorp
Classification: Likely benign. Last evaluated: 2024-03-29. Review status: criteria provided, single submitter. Criteria: LabCorp Variant Classification Summary - May 2015. Collection method: clinical testing. Allele origin: germline.
Comment: Variant summary: TAFAZZIN c.138C>T alters a conserved nucleotide resulting in a synonymous change. Consensus agreement among computation tools predict no significant impact on normal splicing. However, these predictions have yet to be confirmed by functional studies. The variant was absent in 176148 control chromosomes (gnomAD). The available data on variant occurrences in the general population are insufficient to allow any conclusion about variant significance. To our knowledge, no occurrence of c.138C>T in individuals affected with Barth Syndrome and no experimental evidence demonstrating its impact on protein function have been reported. ClinVar contains an entry for this variant (Variation ID: 2965734). Based on the evidence outlined above, the variant was classified as likely benign.

Labcorp Genetics (formerly Invitae), Labcorp
Classification: Likely benign for 3-Methylglutaconic aciduria type 2. Last evaluated: 2023-08-22. Review status: criteria provided, single submitter. Criteria: Invitae Variant Classification Sherloc (09022015). Collection method: clinical testing. Allele origin: germline.